The following is an entry in ClinVar:

NM_000352.6(ABCC8):c.3651-1G>C

Gene: ABCC8 (ATP binding cassette subfamily C member 8; minus strand). Cytogenetic location: 11p15.1.
Variant type: single nucleotide variant.
Coding change: c.3651-1G>C on transcript NM_000352.6 (MANE Select); the canonical splice acceptor site of the intron before coding-DNA position 3651, G replaced by C.
Molecular consequence: splice acceptor variant.
Genome position (GRCh38, 1-based): chr11:17,398,442, C>G on the plus strand (G>C on the coding strand, the complement: ABCC8 is on the minus strand). VCF-style: chr11-17398442-C-G. GRCh37 (hg19) VCF-style: chr11-17419989-C-G.
Other names: c.3648-1G>C (NM_001351297.2); c.3651-1G>C (NM_001351296.2); c.3717-1G>C (NM_001351295.2); c.3654-1G>C (NM_001287174.3).
Identifiers: ClinVar variation 1066359 (VCV001066359.8), dbSNP rs768820409, ClinGen allele CA379794919.

ClinVar aggregate classification (germline): Likely pathogenic. Review status: criteria provided, multiple submitters, no conflicts (2 of 4 stars). 2 submissions from 2 submitters: Likely pathogenic (2). Last evaluated 2023-07-29.

Conditions:
Type 2 diabetes mellitus. Also called: Type II diabetes mellitus. Identifiers: MedGen C0011860, MeSH D003924, MONDO:0005148, OMIM 125853, HP:0005978.

Allele frequency attached by ClinVar (database versions not stated): gnomAD 0.00001.
gnomAD v4.1: 2 of 1,613,926 alleles (0.00012%); highest among the groups gnomAD compares: African/African-American, 0.0013%; no homozygotes.

Submissions (2):

Baylor Genetics
Classification: Likely pathogenic for Type 2 diabetes mellitus. Last evaluated: 2023-07-29. Review status: criteria provided, single submitter. Criteria: ACMG Guidelines, 2015. Collection method: clinical testing. Allele origin: unknown.

Labcorp Genetics (formerly Invitae), Labcorp
Classification: Likely pathogenic. Last evaluated: 2020-05-08. Review status: criteria provided, single submitter. Criteria: Invitae Variant Classification Sherloc (09022015). Collection method: clinical testing. Allele origin: germline.
Comment: Donor and acceptor splice site variants typically lead to a loss of protein function (PMID: 16199547), and loss-of-function variants in ABCC8 are known to be pathogenic (PMID: 20685672, 23345197). In summary, the currently available evidence indicates that the variant is pathogenic, but additional data are needed to prove that conclusively. Therefore, this variant has been classified as Likely Pathogenic. Algorithms developed to predict the effect of sequence changes on RNA splicing suggest that this variant may disrupt the consensus splice site, but this prediction has not been confirmed by published transcriptional studies. This variant has not been reported in the literature in individuals with ABCC8-related conditions. This variant is not present in population databases (ExAC no frequency). This sequence change affects an acceptor splice site in intron 29 of the ABCC8 gene. It is expected to disrupt RNA splicing and likely results in an absent or disrupted protein product.

Literature cited by the submitters: PubMed 16199547 (cited by Labcorp Genetics (formerly Invitae), Labcorp); PubMed 20685672 (cited by Labcorp Genetics (formerly Invitae), Labcorp); PubMed 23345197 (cited by Labcorp Genetics (formerly Invitae), Labcorp).